The following is an entry in ClinVar:

NM_006000.3(TUBA4A):c.1077T>C (p.Pro359=)

Gene: TUBA4A (tubulin alpha 4a; minus strand). Cytogenetic location: 2q35.
Variant type: single nucleotide variant.
Coding change: c.1077T>C on transcript NM_006000.3 (MANE Select); coding-DNA position 1077, T replaced by C.
Protein change: p.Pro359=; no amino-acid change (proline 359 retained).
Molecular consequence: synonymous variant.
Genome position (GRCh38, 1-based): chr2:219,250,622, A>G on the plus strand (T>C on the coding strand, the complement: TUBA4A is on the minus strand). VCF-style: chr2-219250622-A-G. GRCh37 (hg19) VCF-style: chr2-220115344-A-G.
Other names: c.1032T>C, p.Pro344= (NM_001278552.2).
Identifiers: ClinVar variation 3058530 (VCV003058530.2), dbSNP rs1574883829, ClinGen allele CA431426071.

ClinVar aggregate classification (germline): Likely benign (0 of 4 stars; one submission).

Conditions:
TUBA4A-related disorder. Also called: TUBA4A-related condition.

Submission:

PreventionGenetics, part of Exact Sciences
Classification: Likely benign for TUBA4A-related condition. Last evaluated: 2023-10-03. Review status: no assertion criteria provided. Collection method: clinical testing. Allele origin: germline.
Comment: This variant is classified as likely benign based on ACMG/AMP sequence variant interpretation guidelines (Richards et al. 2015 PMID: 25741868, with internal and published modifications).